The following is an entry in ClinVar:

ClinVar aggregate classification (germline): Uncertain significance (1 of 4 stars; one submission).

gnomAD v4.1: 1 of 1,609,952 alleles (0.000062%); highest among the groups gnomAD compares: Non-Finnish European, 0.000085%; no homozygotes.

Submission:

Labcorp Genetics (formerly Invitae), Labcorp
Classification: Uncertain significance. Last evaluated: 2025-06-24. Review status: criteria provided, single submitter. Criteria: Invitae Variant Classification Sherloc (09022015). Collection method: clinical testing. Allele origin: germline.
Comment: This sequence change replaces asparagine, which is neutral and polar, with lysine, which is basic and polar, at codon 464 of the PDE4D protein (p.Asn464Lys). This variant is not present in population databases (gnomAD no frequency). This variant has not been reported in the literature in individuals affected with PDE4D-related conditions. Invitae Evidence Modeling of protein sequence and biophysical properties (such as structural, functional, and spatial information, amino acid conservation, physicochemical variation, residue mobility, and thermodynamic stability) has been performed for this missense variant. However, the output from this modeling did not meet the statistical confidence thresholds required to predict the impact of this variant on PDE4D protein function. In summary, the available evidence is currently insufficient to determine the role of this variant in disease. Therefore, it has been classified as a Variant of Uncertain Significance.

NM_001104631.2(PDE4D):c.1392T>A (p.Asn464Lys)

Gene: PDE4D (phosphodiesterase 4D; minus strand). Cytogenetic location: 5q11.2.
Variant type: single nucleotide variant.
Coding change: c.1392T>A on transcript NM_001104631.2 (MANE Select); coding-DNA position 1392, T replaced by A.
Protein change: p.Asn464Lys; replaces asparagine 464 with lysine.
Molecular consequence: missense variant.
Genome position (GRCh38, 1-based): chr5:58,989,815, A>T on the plus strand (T>A on the coding strand, the complement: PDE4D is on the minus strand). VCF-style: chr5-58989815-A-T. GRCh37 (hg19) VCF-style: chr5-58285642-A-T.
Other names: c.1209T>A, p.Asn403Lys (NM_001165899.2, NM_001364599.1); c.1200T>A, p.Asn400Lys (NM_001197218.2); c.1026T>A, p.Asn342Lys (NM_001197219.2); c.1002T>A, p.Asn334Lys (NM_001197220.2); c.486T>A, p.Asn162Lys (NM_001197221.2, NM_001364603.1); c.720T>A, p.Asn240Lys (NM_001197222.2); c.519T>A, p.Asn173Lys (NM_001197223.2); c.1179T>A, p.Asn393Lys (NM_001349241.2); and 3 more; short protein forms N334K, N400K, N403K, N162K, N173K, N240K, N342K, N464K.
Identifiers: ClinVar variation 4708639 (VCV004708639.1).